The following is an entry in ClinVar:

ClinVar aggregate classification (germline): Conflicting classifications of pathogenicity. Review status: criteria provided, conflicting classifications (1 of 4 stars). 5 submissions from 5 submitters: Uncertain significance (4); Likely benign (1). Last evaluated 2025-12-28.

Conditions:
Hereditary cancer-predisposing syndrome. Also called: Tumor predisposition; Neoplastic Syndromes, Hereditary; Hereditary Cancer Syndrome; Hereditary neoplastic syndrome. Identifiers: Orphanet 140162, MedGen C0027672, MeSH D009386, MONDO:0015356.
Fanconi anemia complementation group O. Also called: RAD51C-Related Fanconi Anemia. Identifiers: Orphanet 84, MedGen C3150653, MONDO:0013248, OMIM 613390.

Submissions (5):

Labcorp Genetics (formerly Invitae), Labcorp
Classification: Uncertain significance for Fanconi anemia complementation group O. Last evaluated: 2025-12-28. Review status: criteria provided, single submitter. Criteria: Invitae Variant Classification Sherloc (09022015). Collection method: clinical testing. Allele origin: germline.
Comment: This sequence change falls in intron 6 of the RAD51C gene. It does not directly change the encoded amino acid sequence of the RAD51C protein. RNA analysis indicates that this variant induces altered splicing and likely disrupts the C-terminus of the protein. This variant is not present in population databases (gnomAD no frequency). This variant has not been reported in the literature in individuals affected with RAD51C-related conditions. ClinVar contains an entry for this variant (Variation ID: 492396). Studies have shown this variant is associated with skipping of exon 7, but one or more of the resulting mRNA isoform(s) may be naturally occurring (PMID: 28905878; internal data). In summary, the available evidence is currently insufficient to determine the role of this variant in disease. Therefore, it has been classified as a Variant of Uncertain Significance.

Ambry Genetics
Classification: Uncertain significance for Hereditary cancer-predisposing syndrome. Last evaluated: 2024-08-09. Review status: criteria provided, single submitter. Criteria: Ambry Variant Classification Scheme 2023. Collection method: clinical testing. Allele origin: germline.
Comment: The c.905-5C>G intronic variant results from a C to G substitution 5 nucleotides upstream from coding exon 7 in the RAD51C gene. This nucleotide position is not well conserved in available vertebrate species. In silico splice site analysis for this alteration is inconclusive. RNA studies have demonstrated that this alteration results in an incomplete splice defect; the clinical impact of this abnormal splicing is unknown at this time (Ambry internal data). Based on the available evidence, the clinical significance of this variant remains unclear.

GeneDx
Classification: Uncertain significance. Last evaluated: 2023-01-19. Review status: criteria provided, single submitter. Criteria: GeneDx Variant Classification Process June 2021. Collection method: clinical testing. Allele origin: germline. Affected: yes.
Comment: Not observed at significant frequency in large population cohorts (gnomAD); Has not been previously published as pathogenic or benign to our knowledge; In silico analysis is inconclusive as to whether the variant alters gene splicing. In the absence of RNA/functional studies, the actual effect of this sequence change is unknown.

Sema4
Classification: Uncertain significance for Hereditary cancer-predisposing syndrome. Last evaluated: 2021-09-20. Review status: criteria provided, single submitter. Criteria: Sema4 Curation Guidelines. Collection method: curation. Allele origin: germline.
Comment: The RAD51C c.905-5C>G variant has not been reported in the literature to our knowledge. It was not observed in the large and broad cohorts of the Genome Aggregation Database. The variant has been reported in ClinVar (Variation ID 492396). In silico tools suggest the impact of the variant on splicing is benign, though these predictions have not been confirmed by functional studies. The evidence is insufficient to meet ACMG/AMP criteria for classifying the variant as benign or pathogenic. Thus, the clinical significance of this variant is currently uncertain.

Color Diagnostics, LLC DBA Color Health
Classification: Likely benign for Hereditary cancer-predisposing syndrome. Last evaluated: 2017-06-02. Review status: criteria provided, single submitter. Criteria: ACMG Guidelines, 2015. Collection method: clinical testing. Allele origin: germline.

Literature cited by the submitters: PubMed 28905878 (cited by Labcorp Genetics (formerly Invitae), Labcorp).

NM_058216.3(RAD51C):c.905-5C>G

Gene: RAD51C (RAD51 paralog C; plus strand). Cytogenetic location: 17q22.
Variant type: single nucleotide variant.
Coding change: c.905-5C>G on transcript NM_058216.3 (MANE Select); 5 bases into the intron before coding-DNA position 905, C replaced by G.
Molecular consequence: intron variant.
Genome position (GRCh38, 1-based): chr17:58,724,035, C>G. VCF-style: chr17-58724035-C-G. GRCh37 (hg19) VCF-style: chr17-56801396-C-G.
Identifiers: ClinVar variation 492396 (VCV000492396.19), dbSNP rs371968149, ClinGen allele CA658684136.